The following is an entry in ClinVar:

NM_005732.4(RAD50):c.1477A>G (p.Lys493Glu)

Gene: RAD50 (RAD50 double strand break repair protein; plus strand). Cytogenetic location: 5q31.1.
Variant type: single nucleotide variant.
Coding change: c.1477A>G on transcript NM_005732.4 (MANE Select); coding-DNA position 1477, A replaced by G.
Protein change: p.Lys493Glu; replaces lysine 493 with glutamic acid.
Molecular consequence: missense variant.
Genome position (GRCh38, 1-based): chr5:132,591,248, A>G. VCF-style: chr5-132591248-A-G. GRCh37 (hg19) VCF-style: chr5-131926940-A-G.
Other names: short protein forms K493E.
Identifiers: ClinVar variation 1013732 (VCV001013732.9), dbSNP rs1750691341, ClinGen allele CA360945504.

ClinVar aggregate classification (germline): Uncertain significance (1 of 4 stars; one submission).

Conditions:
Hereditary cancer-predisposing syndrome. Also called: Hereditary Cancer Syndrome; Tumor predisposition; Neoplastic Syndromes, Hereditary; Hereditary neoplastic syndrome. Identifiers: Orphanet 140162, MedGen C0027672, MeSH D009386, MONDO:0015356.

Submission:

Labcorp Genetics (formerly Invitae), Labcorp
Classification: Uncertain significance for Hereditary cancer-predisposing syndrome. Last evaluated: 2020-10-23. Review status: criteria provided, single submitter. Criteria: Invitae Variant Classification Sherloc (09022015). Collection method: clinical testing. Allele origin: germline.
Comment: In summary, the available evidence is currently insufficient to determine the role of this variant in disease. Therefore, it has been classified as a Variant of Uncertain Significance. Algorithms developed to predict the effect of missense changes on protein structure and function output the following: SIFT: "Tolerated"; PolyPhen-2: "Benign"; Align-GVGD: "Class C0". The glutamic acid amino acid residue is found in multiple mammalian species, suggesting that this missense change does not adversely affect protein function. These predictions have not been confirmed by published functional studies and their clinical significance is uncertain. This variant has not been reported in the literature in individuals with RAD50-related conditions. This variant is not present in population databases (ExAC no frequency). This sequence change replaces lysine with glutamic acid at codon 493 of the RAD50 protein (p.Lys493Glu). The lysine residue is moderately conserved and there is a small physicochemical difference between lysine and glutamic acid.